The following is an entry in ClinVar:

ClinVar aggregate classification (germline): Uncertain significance (1 of 4 stars; one submission).

Conditions:
TNF receptor-associated periodic fever syndrome (TRAPS) (FPF). Also called: FAMILIAL HIBERNIAN FEVER; TNF RECEPTOR-ASSOCIATED PERIODIC SYNDROME; TUMOR NECROSIS FACTOR RECEPTOR-ASSOCIATED PERIODIC SYNDROME; Autosomal Dominant Familial Periodic Fever; TNF Receptor-Associated Periodic Fever Syndrome; TNF receptor 1-associated periodic fever syndrome. Identifiers: Orphanet 32960, MedGen C1275126, MONDO:0007727, OMIM 142680.

Submission:

Labcorp Genetics (formerly Invitae), Labcorp
Classification: Uncertain significance for TNF receptor-associated periodic fever syndrome (TRAPS). Last evaluated: 2025-05-21. Review status: criteria provided, single submitter. Criteria: Invitae Variant Classification Sherloc (09022015). Collection method: clinical testing. Allele origin: germline.
Comment: This sequence change replaces lysine, which is basic and polar, with glutamic acid, which is acidic and polar, at codon 48 of the TNFRSF1A protein (p.Lys48Glu). This variant is not present in population databases (gnomAD no frequency). This variant has not been reported in the literature in individuals affected with TNFRSF1A-related conditions. Invitae Evidence Modeling of protein sequence and biophysical properties (such as structural, functional, and spatial information, amino acid conservation, physicochemical variation, residue mobility, and thermodynamic stability) indicates that this missense variant is expected to disrupt TNFRSF1A protein function with a positive predictive value of 95%. In summary, the available evidence is currently insufficient to determine the role of this variant in disease. Therefore, it has been classified as a Variant of Uncertain Significance.

NM_001065.4(TNFRSF1A):c.142A>G (p.Lys48Glu)

Gene: TNFRSF1A (TNF receptor superfamily member 1A; minus strand). Cytogenetic location: 12p13.31.
Variant type: single nucleotide variant.
Coding change: c.142A>G on transcript NM_001065.4 (MANE Select); coding-DNA position 142, A replaced by G.
Protein change: p.Lys48Glu; replaces lysine 48 with glutamic acid.
Molecular consequence: missense variant. On other transcripts: 5 prime UTR variant (1), non-coding transcript variant (1), intron variant (1).
Genome position (GRCh38, 1-based): chr12:6,334,142, T>C on the plus strand (A>G on the coding strand, the complement: TNFRSF1A is on the minus strand). VCF-style: chr12-6334142-T-C. GRCh37 (hg19) VCF-style: chr12-6443308-T-C.
Other names: c.-436A>G (NM_001346092.2); c.-131-277A>G (NM_001346091.2); short protein forms K48E.
Identifiers: ClinVar variation 4801152 (VCV004801152.1).